The following is an entry in ClinVar:

NM_006361.6(HOXB13):c.666_670delinsC (p.Tyr223fs)

Gene: HOXB13 (homeobox B13; minus strand). Cytogenetic location: 17q21.32.
Variant type: Indel.
Coding change: c.666_670delinsC on transcript NM_006361.6 (MANE Select); coding-DNA positions 666 to 670, GTACA replaced by C.
Protein change: p.Tyr223fs; shifts the reading frame from tyrosine 223.
Molecular consequence: frameshift variant.
Genome position (GRCh38, 1-based): chr17:48,726,975-48,726,979, TGTAC replaced by G on the plus strand (GTACA replaced by C on the coding strand, the reverse complement: HOXB13 is on the minus strand). VCF-style: chr17-48726975-TGTAC-G. GRCh37 (hg19) VCF-style: chr17-46804337-TGTAC-G.
Other names: short protein forms Y223fs.
Identifiers: ClinVar variation 3572263 (VCV003572263.2).

ClinVar aggregate classification (germline): Uncertain significance. Review status: criteria provided, multiple submitters, no conflicts (2 of 4 stars). 2 submissions from 2 submitters: Uncertain significance (2). Last evaluated 2026-03-23.

Conditions:
Hereditary cancer-predisposing syndrome. Also called: Tumor predisposition; Hereditary Cancer Syndrome; Neoplastic Syndromes, Hereditary; Hereditary neoplastic syndrome. Identifiers: Orphanet 140162, MedGen C0027672, MeSH D009386, MONDO:0015356.

Submissions (2):

Ambry Genetics
Classification: Uncertain significance for Hereditary cancer-predisposing syndrome. Last evaluated: 2026-03-23. Review status: criteria provided, single submitter. Criteria: Ambry Variant Classification Scheme 2023. Collection method: clinical testing. Allele origin: germline.
Comment: The c.666_670delGTACAinsC variant, located in coding exon 2 of the HOXB13 gene, results from the deletion of 5 nucleotides and insertion of one nucleotide causing a translational frameshift with a predicted alternate stop codon (p.Y223Afs*55). This variant occurs at the 3' terminus of the gene and is not expected to trigger nonsense-mediated mRNA decay. Based on the available evidence, the clinical significance of this variant remains unclear.

Quest Diagnostics Nichols Institute San Juan Capistrano
Classification: Uncertain significance. Last evaluated: 2024-03-19. Review status: criteria provided, single submitter. Criteria: Quest Diagnostics criteria. Collection method: clinical testing. Allele origin: unknown.
Comment: The HOXB13 c.666_670delinsC (p.Tyr223Alafs*55) variant alters the translational reading frame of the HOXB13 mRNA and is predicted to cause the premature termination of HOXB13 protein synthesis. However, loss of function of HOXB13 has not been clearly established as a mechanism of disease at this time. This variant has not been reported in individuals with HOXB13-related conditions in the published literature. This variant has not been reported in large, multi-ethnic general populations (Genome Aggregation Database). Based on the available information, we are unable to determine the clinical significance of this variant.